The following is an entry in ClinVar:

NM_006767.4(LZTR1):c.858del (p.His287fs)

Gene: LZTR1 (leucine zipper like post translational regulator 1; plus strand). Cytogenetic location: 22q11.21.
Variant type: Deletion.
Coding change: c.858del on transcript NM_006767.4 (MANE Select); coding-DNA position 858, one base deleted (G; older notation c.858delG).
Protein change: p.His287fs; shifts the reading frame from histidine 287.
Molecular consequence: frameshift variant.
Genome position (GRCh38, 1-based): chr22:20,991,694, G deleted; the last of 3 consecutive G bases (chr22:20,991,692-20,991,694); deleting any one gives the same sequence. VCF-style (leftmost placement, unchanged base first): chr22-20991691-CG-C. GRCh37 (hg19) VCF-style: chr22-21345980-CG-C.
Other names: short protein forms H287fs.
Identifiers: ClinVar variation 3008431 (VCV003008431.3), dbSNP rs2518617098, ClinGen allele CA2740094789.

ClinVar aggregate classification (germline): Pathogenic (1 of 4 stars; one submission).

Submission:

Labcorp Genetics (formerly Invitae), Labcorp
Classification: Pathogenic. Last evaluated: 2023-05-10. Review status: criteria provided, single submitter. Criteria: Invitae Variant Classification Sherloc (09022015). Collection method: clinical testing. Allele origin: germline.
Comment: This variant has not been reported in the literature in individuals affected with LZTR1-related conditions. This sequence change creates a premature translational stop signal (p.His287Ilefs*64) in the LZTR1 gene. It is expected to result in an absent or disrupted protein product. Loss-of-function variants in LZTR1 are known to be pathogenic (PMID: 24362817, 25335493, 25480913, 25795793, 29469822, 30368668, 30442762, 30442766, 30481304, 30859559). This variant is not present in population databases (gnomAD no frequency). For these reasons, this variant has been classified as Pathogenic.

Literature cited by the submitters: PubMed 24362817; PubMed 25335493; PubMed 25480913; PubMed 25795793; PubMed 29469822; PubMed 30368668; PubMed 30442762; PubMed 30442766; PubMed 30481304; PubMed 30859559.